The following is an entry in ClinVar:

ClinVar aggregate classification (germline): Uncertain significance (1 of 4 stars; one submission).

Conditions:
Charcot-Marie-Tooth disease axonal type 2O. Also called: CHARCOT-MARIE-TOOTH NEUROPATHY, AXONAL, TYPE 2O; CHARCOT-MARIE-TOOTH DISEASE, AXONAL, AUTOSOMAL DOMINANT, TYPE 2O; Charcot-Marie-Tooth Neuropathy Type 2O; Charcot-Marie-Tooth disease, axonal, type 20. Identifiers: Orphanet 284232, MedGen C3280220, MONDO:0013644, OMIM 614228.

Allele frequency attached by ClinVar (database versions not stated): gnomAD 0.00001; TOPMed 0.00001.

Submission:

Labcorp Genetics (formerly Invitae), Labcorp
Classification: Uncertain significance for Charcot-Marie-Tooth disease axonal type 2O. Last evaluated: 2021-07-24. Review status: criteria provided, single submitter. Criteria: Invitae Variant Classification Sherloc (09022015). Collection method: clinical testing. Allele origin: germline.
Comment: In summary, the available evidence is currently insufficient to determine the role of this variant in disease. Therefore, it has been classified as a Variant of Uncertain Significance. Advanced modeling of protein sequence and biophysical properties (such as structural, functional, and spatial information, amino acid conservation, physicochemical variation, residue mobility, and thermodynamic stability) performed at Invitae indicates that this missense variant is not expected to disrupt DYNC1H1 protein function. This variant has not been reported in the literature in individuals affected with DYNC1H1-related conditions. This variant is not present in population databases (ExAC no frequency). This sequence change replaces leucine with methionine at codon 62 of the DYNC1H1 protein (p.Leu62Met). The leucine residue is weakly conserved and there is a small physicochemical difference between leucine and methionine.

NM_001376.5(DYNC1H1):c.184C>A (p.Leu62Met)

Gene: DYNC1H1 (dynein cytoplasmic 1 heavy chain 1; plus strand). Cytogenetic location: 14q32.31.
Variant type: single nucleotide variant.
Coding change: c.184C>A on transcript NM_001376.5 (MANE Select); coding-DNA position 184, C replaced by A.
Protein change: p.Leu62Met; replaces leucine 62 with methionine.
Molecular consequence: missense variant.
Genome position (GRCh38, 1-based): chr14:101,964,875, C>A. VCF-style: chr14-101964875-C-A. GRCh37 (hg19) VCF-style: chr14-102431212-C-A.
Other names: short protein forms L62M.
Identifiers: ClinVar variation 1484981 (VCV001484981.8), dbSNP rs777022618, ClinGen allele CA391003600.